The following is an entry in ClinVar:

NM_003995.4(NPR2):c.2912G>T (p.Gly971Val)

Genes: NPR2 (natriuretic peptide receptor 2; plus strand), SPAG8 (sperm associated antigen 8; minus strand). Cytogenetic location: 9p13.3.
Variant type: single nucleotide variant.
Coding change: c.2912G>T on transcript NM_003995.4 (MANE Select); coding-DNA position 2912, G replaced by T.
Protein change: p.Gly971Val; replaces glycine 971 with valine.
Molecular consequence: missense variant. On other transcripts: intron variant (2).
Genome position (GRCh38, 1-based): chr9:35,808,779, G>T. VCF-style: chr9-35808779-G-T. GRCh37 (hg19) VCF-style: chr9-35808776-G-T.
Other names: c.2921G>T, p.Gly974Val (NM_001378923.1); c.1201-473C>A (NM_001366760.2); c.1373-473C>A (NM_172312.2); short protein forms G971V, G974V.
Identifiers: ClinVar variation 2946395 (VCV002946395.3), dbSNP rs2491077483, ClinGen allele CA373385776.
Genomic context (GRCh38, chr9:35,808,779, plus strand): 5'-CTTTCCCAGACTCTCCCAACCTGTTTCTTCTCAAAGGGCCAGTCTGTGCTGGGGTTGTTG[G>T]CCTGAAGATGCCCCGTTATTGTCTTTTTGGAGACACAGTGAACACTGCTTCTCGAATGGA-3'
Protein context (NP_003986.2, residues 961-981): HTGPVCAGVV[Gly971Val]LKMPRYCLFG

ClinVar aggregate classification (germline): Uncertain significance (1 of 4 stars; one submission).

Conditions:
Acromesomelic dysplasia 1, Maroteaux type (AMD1). Also called: ST. HELENA DYSPLASIA; ACROMESOMELIC DYSPLASIA 1. Identifiers: Orphanet 40, MedGen C1864356, MONDO:0011275, OMIM 602875.
Tall stature-scoliosis-macrodactyly of the great toes syndrome. Also called: Epiphyseal chondrodysplasia, miura type. Identifiers: Orphanet 329191, MedGen C4014690, MONDO:0014401, OMIM 615923.

Submission:

Labcorp Genetics (formerly Invitae), Labcorp
Classification: Uncertain significance for Tall stature-scoliosis-macrodactyly of the great toes syndrome; Acromesomelic dysplasia 1, Maroteaux type. Last evaluated: 2023-04-09. Review status: criteria provided, single submitter. Criteria: Invitae Variant Classification Sherloc (09022015). Collection method: clinical testing. Allele origin: germline.
Comment: In summary, the available evidence is currently insufficient to determine the role of this variant in disease. Therefore, it has been classified as a Variant of Uncertain Significance. Advanced modeling of protein sequence and biophysical properties (such as structural, functional, and spatial information, amino acid conservation, physicochemical variation, residue mobility, and thermodynamic stability) performed at Invitae indicates that this missense variant is expected to disrupt NPR2 protein function. This variant has not been reported in the literature in individuals affected with NPR2-related conditions. This variant is not present in population databases (gnomAD no frequency). This sequence change replaces glycine, which is neutral and non-polar, with valine, which is neutral and non-polar, at codon 971 of the NPR2 protein (p.Gly971Val).